The following is an entry in ClinVar:

ClinVar aggregate classification (germline): Uncertain significance (1 of 4 stars; one submission).

Conditions:
Immunodeficiency 132A. Also called: Herpes simplex encephalitis, susceptibility to, 3. Identifiers: Orphanet 1930, MedGen C3553868, MONDO:0013920, OMIM 614849.

Submission:

Labcorp Genetics (formerly Invitae), Labcorp
Classification: Uncertain significance for Immunodeficiency 132A. Last evaluated: 2025-02-17. Review status: criteria provided, single submitter. Criteria: Invitae Variant Classification Sherloc (09022015). Collection method: clinical testing. Allele origin: germline.
Comment: This sequence change creates a premature translational stop signal (p.Arg321*) in the TRAF3 gene. It is expected to result in an absent or disrupted protein product. However, the current clinical and genetic evidence is not sufficient to establish whether loss-of-function variants in TRAF3 cause disease. This variant is not present in population databases (gnomAD no frequency). This variant has not been reported in the literature in individuals affected with TRAF3-related conditions. ClinVar contains an entry for this variant (Variation ID: 1504905). In summary, the available evidence is currently insufficient to determine the role of this variant in disease. Therefore, it has been classified as a Variant of Uncertain Significance.

NM_145725.3(TRAF3):c.961C>T (p.Arg321Ter)

Gene: TRAF3 (TNF receptor associated factor 3; plus strand). Cytogenetic location: 14q32.32.
Variant type: single nucleotide variant.
Coding change: c.961C>T on transcript NM_145725.3 (MANE Select); coding-DNA position 961, C replaced by T.
Protein change: p.Arg321Ter; replaces arginine 321 with a stop codon.
Molecular consequence: nonsense.
Genome position (GRCh38, 1-based): chr14:102,903,255, C>T. VCF-style: chr14-102903255-C-T. GRCh37 (hg19) VCF-style: chr14-103369592-C-T.
Other names: c.712C>T, p.Arg238Ter (NM_001199427.2); c.820C>T, p.Arg274Ter (NM_001385142.1); c.880C>T, p.Arg294Ter (NM_001385143.1); c.961C>T, p.Arg321Ter (NM_003300.4); c.886C>T, p.Arg296Ter (NM_145726.3); short protein forms R238*, R321*, R296*, R274*, R294*.
Identifiers: ClinVar variation 1504905 (VCV001504905.6), dbSNP rs2140001313, ClinGen allele CA391074228.